The following is an entry in ClinVar:

ClinVar aggregate classification (germline): Uncertain significance. Review status: criteria provided, multiple submitters, no conflicts (2 of 4 stars). 3 submissions from 3 submitters: Uncertain significance (2). 1 of the submissions does not count toward it. Last evaluated 2025-01-04.

Conditions:
Autosomal recessive polycystic kidney disease (ARPKD). Also called: AR polycystic kidney disease. Identifiers: Orphanet 731, Orphanet 8378, MedGen C0085548, MeSH D017044, MONDO:0009889.
PKHD1-related disorder. Also called: PKHD1-related condition.

gnomAD v4.1: 2 of 1,563,398 alleles (0.00013%); highest among the groups gnomAD compares: Non-Finnish European, 0.00018%; no homozygotes.

Submissions (3):

Women's Health and Genetics/Laboratory Corporation of America, LabCorp
Classification: Uncertain significance. Last evaluated: 2025-01-04. Review status: criteria provided, single submitter. Criteria: LabCorp Variant Classification Summary - May 2015. Collection method: clinical testing. Allele origin: germline.

Labcorp Genetics (formerly Invitae), Labcorp
Classification: Uncertain significance for Autosomal recessive polycystic kidney disease. Last evaluated: 2024-08-30. Review status: criteria provided, single submitter. Criteria: Invitae Variant Classification Sherloc (09022015). Collection method: clinical testing. Allele origin: germline.
Comment: This sequence change falls in intron 8 of the PKHD1 gene. It does not directly change the encoded amino acid sequence of the PKHD1 protein. It affects a nucleotide within the consensus splice site. This variant is present in population databases (rs758866420, gnomAD 0.002%). This variant has not been reported in the literature in individuals affected with PKHD1-related conditions. Variants that disrupt the consensus splice site are a relatively common cause of aberrant splicing (PMID: 17576681, 9536098). Algorithms developed to predict the effect of sequence changes on RNA splicing suggest that this variant may disrupt the consensus splice site. In summary, the available evidence is currently insufficient to determine the role of this variant in disease. Therefore, it has been classified as a Variant of Uncertain Significance.

PreventionGenetics, part of Exact Sciences
Classification: Uncertain significance for PKHD1-related condition. Last evaluated: 2024-09-27. Review status: no assertion criteria provided. Collection method: clinical testing. Allele origin: germline. Not counted in ClinVar's aggregate classification.
Comment: The PKHD1 c.602+6T>C variant is predicted to interfere with splicing. This variant is predicted to significantly weaken the donor splice site (SpliceAI, Jaganathan K, et al. 2019. PubMed ID: 30661751). To our knowledge, this variant has not been reported in the literature. An adjacent variant that also impacts this splice junction (c.602+5G>A) has been reported in the compound heterozygous state in a patient with polycystic kidney disease (Fang et al 2017. PubMed ID: 28578020). This variant is reported in 0.0018% of alleles in individuals of European (non-Finnish) descent in gnomAD. Although we suspect that this variant may be pathogenic, at this time, the clinical significance of this variant is uncertain due to the absence of conclusive functional and genetic evidence.

Literature cited by the submitters: PubMed 17576681 (cited by Labcorp Genetics (formerly Invitae), Labcorp); PubMed 9536098 (cited by Labcorp Genetics (formerly Invitae), Labcorp).

NM_138694.4(PKHD1):c.602+6T>C

Gene: PKHD1 (PKHD1 ciliary IPT domain containing fibrocystin/polyductin; minus strand). Cytogenetic location: 6p12.2.
Variant type: single nucleotide variant.
Coding change: c.602+6T>C on transcript NM_138694.4 (MANE Select); 6 bases into the intron after coding-DNA position 602, T replaced by C.
Molecular consequence: intron variant.
Genome position (GRCh38, 1-based): chr6:52,072,109, A>G on the plus strand (T>C on the coding strand, the complement: PKHD1 is on the minus strand). VCF-style: chr6-52072109-A-G. GRCh37 (hg19) VCF-style: chr6-51936907-A-G.
Other names: c.602+6T>C (NM_170724.3).
Identifiers: ClinVar variation 3347021 (VCV003347021.5).